The following is an entry in ClinVar:

ClinVar aggregate classification (germline): Uncertain significance (1 of 4 stars; one submission).

Conditions:
Inborn genetic diseases. Identifiers: MedGen C0950123, MeSH D030342.

Submission:

Ambry Genetics
Classification: Uncertain significance for Inborn genetic diseases. Last evaluated: 2023-12-01. Review status: criteria provided, single submitter. Criteria: Ambry Variant Classification Scheme 2023. Collection method: clinical testing. Allele origin: germline.
Comment: The p.G115D variant (also known as c.344G>A) is located in coding exon 4 of the RAD51 gene. The glycine at codon 115 is replaced by aspartic acid, an amino acid with similar properties. This change occurs in the first base pair of coding exon 4. This amino acid position is conserved. In addition, this alteration is predicted to be deleterious by in silico analysis. Since supporting evidence is limited at this time, the clinical significance of this alteration remains unclear.

NM_002875.5(RAD51):c.344G>A (p.Gly115Asp)

Gene: RAD51 (RAD51 recombinase; plus strand). Cytogenetic location: 15q15.1.
Variant type: single nucleotide variant.
Coding change: c.344G>A on transcript NM_002875.5 (MANE Select); coding-DNA position 344, G replaced by A.
Protein change: p.Gly115Asp; replaces glycine 115 with aspartic acid.
Molecular consequence: missense variant.
Genome position (GRCh38, 1-based): chr15:40,709,025, G>A. VCF-style: chr15-40709025-G-A. GRCh37 (hg19) VCF-style: chr15-41001223-G-A.
Other names: c.347G>A, p.Gly116Asp (NM_001164269.2, NM_133487.4); c.344G>A, p.Gly115Asp (NM_001164270.2); short protein forms G115D, G116D.
Identifiers: ClinVar variation 3222850 (VCV003222850.1), dbSNP rs2504450532, ClinGen allele CA391751027.